The following is an entry in ClinVar:

ClinVar aggregate classification (germline): Uncertain significance (1 of 4 stars; one submission).

Conditions:
Hereditary cancer-predisposing syndrome. Also called: Tumor predisposition; Hereditary Cancer Syndrome; Hereditary neoplastic syndrome; Neoplastic Syndromes, Hereditary. Identifiers: Orphanet 140162, MedGen C0027672, MeSH D009386, MONDO:0015356.

Submission:

Ambry Genetics
Classification: Uncertain significance for Hereditary cancer-predisposing syndrome. Last evaluated: 2023-08-25. Review status: criteria provided, single submitter. Criteria: Ambry Variant Classification Scheme 2023. Collection method: clinical testing. Allele origin: germline.
Comment: The p.D106N variant (also known as c.316G>A), located in coding exon 3 of the SDHAF2 gene, results from a G to A substitution at nucleotide position 316. The aspartic acid at codon 106 is replaced by asparagine, an amino acid with highly similar properties. This amino acid position is conserved. In addition, the in silico prediction for this alteration is inconclusive. Since supporting evidence is limited at this time, the clinical significance of this alteration remains unclear.

NM_017841.4(SDHAF2):c.316G>A (p.Asp106Asn)

Gene: SDHAF2 (succinate dehydrogenase complex assembly factor 2; plus strand). Cytogenetic location: 11q12.2.
Variant type: single nucleotide variant.
Coding change: c.316G>A on transcript NM_017841.4 (MANE Select); coding-DNA position 316, G replaced by A.
Protein change: p.Asp106Asn; replaces aspartic acid 106 with asparagine.
Molecular consequence: missense variant.
Genome position (GRCh38, 1-based): chr11:61,438,059, G>A. VCF-style: chr11-61438059-G-A. GRCh37 (hg19) VCF-style: chr11-61205531-G-A.
Other names: short protein forms D106N.
Identifiers: ClinVar variation 2625580 (VCV002625580.2), dbSNP rs2540124934, ClinGen allele CA380684136.